The following is an entry in ClinVar:

NM_022552.5(DNMT3A):c.751A>C (p.Thr251Pro)

Gene: DNMT3A (DNA methyltransferase 3 alpha; minus strand). Cytogenetic location: 2p23.3.
Variant type: single nucleotide variant.
Coding change: c.751A>C on transcript NM_022552.5 (MANE Select); coding-DNA position 751, A replaced by C.
Protein change: p.Thr251Pro; replaces threonine 251 with proline.
Molecular consequence: missense variant. On other transcripts: non-coding transcript variant (1).
Genome position (GRCh38, 1-based): chr2:25,248,141, T>G on the plus strand (A>C on the coding strand, the complement: DNMT3A is on the minus strand). VCF-style: chr2-25248141-T-G. GRCh37 (hg19) VCF-style: chr2-25471010-T-G.
Other names: c.295A>C, p.Thr99Pro (NM_001320893.1); c.82A>C, p.Thr28Pro (NM_001375819.1); c.184A>C, p.Thr62Pro (NM_153759.3); c.751A>C, p.Thr251Pro (NM_175629.2); short protein forms T251P, T28P, T62P, T99P.
Identifiers: ClinVar variation 2181497 (VCV002181497.5), dbSNP rs139388008, ClinGen allele CA1556310.

ClinVar aggregate classification (germline): Uncertain significance. Review status: criteria provided, single submitter (1 of 4 stars). 2 submissions from 2 submitters: Uncertain significance (1). 1 of the submissions does not count toward it. Last evaluated 2025-07-02.

Conditions:
DNMT3A-related disorder. Also called: DNMT3A-related disorders; DNMT3A-related condition.
Tatton-Brown-Rahman overgrowth syndrome. Also called: Tatton-Brown-Rahman syndrome; Tall stature-intellectual disability-facial dysmorphism syndrome. Identifiers: Orphanet 404443, MedGen C4014545, MONDO:0014382, OMIM 615879.

Allele frequency attached by ClinVar (database versions not stated): gnomAD exomes below 0.00001; ExAC 0.00001; TOPMed 0.00003; gnomAD 0.00005; ESP Exome Variant Server 0.00008.
gnomAD v4.1: 11 of 1,613,720 alleles (0.00068%); highest among the groups gnomAD compares: African/African-American, 0.0053%; no homozygotes.

Submissions (2):

Labcorp Genetics (formerly Invitae), Labcorp
Classification: Uncertain significance for Tatton-Brown-Rahman overgrowth syndrome. Last evaluated: 2025-07-02. Review status: criteria provided, single submitter. Criteria: Invitae Variant Classification Sherloc (09022015). Collection method: clinical testing. Allele origin: germline.
Comment: This sequence change replaces threonine, which is neutral and polar, with proline, which is neutral and non-polar, at codon 251 of the DNMT3A protein (p.Thr251Pro). This variant is present in population databases (rs139388008, gnomAD 0.02%). This variant has not been reported in the literature in individuals affected with DNMT3A-related conditions. ClinVar contains an entry for this variant (Variation ID: 2181497). Invitae Evidence Modeling of protein sequence and biophysical properties (such as structural, functional, and spatial information, amino acid conservation, physicochemical variation, residue mobility, and thermodynamic stability) has been performed for this missense variant. However, the output from this modeling did not meet the statistical confidence thresholds required to predict the impact of this variant on DNMT3A protein function. In summary, the available evidence is currently insufficient to determine the role of this variant in disease. Therefore, it has been classified as a Variant of Uncertain Significance.

PreventionGenetics, part of Exact Sciences
Classification: Uncertain significance for DNMT3A-related condition. Last evaluated: 2024-06-28. Review status: no assertion criteria provided. Collection method: clinical testing. Allele origin: germline. Not counted in ClinVar's aggregate classification.
Comment: The DNMT3A c.751A>C variant is predicted to result in the amino acid substitution p.Thr251Pro. To our knowledge, this variant has not been reported in the literature. This variant is reported in 0.012% of alleles in individuals of African descent in gnomAD, which is likely too frequent to be a primary cause of disease. Although we suspect that this variant may be benign, at this time, the clinical significance of this variant is uncertain due to the absence of conclusive functional and genetic evidence.